The following is an entry in ClinVar:

ClinVar aggregate classification (germline): Pathogenic (1 of 4 stars; one submission).

Conditions:
Autosomal recessive congenital ichthyosis 1 (LI1). Also called: COLLODION FETUS; DESQUAMATION OF NEWBORN; ICHTHYOSIS CONGENITA; ICHTHYOSIS CONGENITA II; LAMELLAR EXFOLIATION OF NEWBORN; ICHTHYOSIS, CONGENITAL, AUTOSOMAL RECESSIVE 1, WITH BATHING SUIT DISTRIBUTION. Identifiers: MedGen C4551630, MONDO:0009441, OMIM 242300.

Submission:

Myriad Genetics, Inc.
Classification: Pathogenic for Autosomal recessive congenital ichthyosis 1. Last evaluated: 2025-07-01. Review status: criteria provided, single submitter. Criteria: Myriad Autosomal Dominant, Autosomal Recessive and X-Linked Classification Criteria (2023). Collection method: clinical testing. Allele origin: unknown.
Comment: NM_000359.2(TGM1):c.342dupT(V115Cfs*21) is expected to be pathogenic in the context of TGM1-related autosomal recessive congenital ichthyosis. This variant is predicted to lead to an abnormal or absent protein product due to the creation of a premature termination codon in TGM1, a gene where loss-of-function variants are known to be pathogenic. Please note: this variant was assessed in the context of healthy population screening.

NM_000359.3(TGM1):c.342dup (p.Val115fs)

Gene: TGM1 (transglutaminase 1; minus strand). Cytogenetic location: 14q12.
Variant type: Duplication.
Coding change: c.342dup on transcript NM_000359.3 (MANE Select); coding-DNA position 342, one base duplicated (T; older notation c.342dupT).
Protein change: p.Val115fs; shifts the reading frame from valine 115.
Molecular consequence: frameshift variant.
Genome position (GRCh38, 1-based): chr14:24,261,861, A duplicated on the plus strand (T on the coding strand, the reverse complement: TGM1 is on the minus strand). VCF-style (leftmost placement, unchanged base first): chr14-24261860-C-CA. GRCh37 (hg19) VCF-style: chr14-24731066-C-CA.
Other names: short protein forms V115fs.
Identifiers: ClinVar variation 5014672 (VCV005014672.1).